The following is an entry in ClinVar:

ClinVar aggregate classification (germline): Likely benign. Review status: criteria provided, multiple submitters, no conflicts (2 of 4 stars). 3 submissions from 3 submitters: Likely benign (2). 1 of the submissions does not count toward it. Last evaluated 2025-09-02.

Conditions:
Methylmalonic aciduria, cblB type (MACB). Also called: Methylmalonic acidemia cblB type; Vitamin B12-responsive methylmalonic acidemia type cblB; METHYLMALONIC ACIDURIA, VITAMIN B12-RESPONSIVE, DUE TO DEFECT IN SYNTHESIS OF ADENOSYLCOBALAMIN, cblB TYPE. Identifiers: Orphanet 28, Orphanet 79311, MedGen C1855102, MONDO:0009614, OMIM 251110.

Allele frequency attached by ClinVar (database versions not stated): gnomAD 0.00004 and 0.00005; gnomAD exomes 0.00005 and 0.00008; ExAC 0.00010; TOPMed 0.00010.
gnomAD v4.1: 81 of 1,609,306 alleles (0.005%); highest among the groups gnomAD compares: Admixed American, 0.042%; no homozygotes.

Submissions (3):

Labcorp Genetics (formerly Invitae), Labcorp
Classification: Likely benign for Methylmalonic aciduria, cblB type. Last evaluated: 2025-09-02. Review status: criteria provided, single submitter. Criteria: Invitae Variant Classification Sherloc (09022015). Collection method: clinical testing. Allele origin: germline.

Fulgent Genetics
Classification: Likely benign for Methylmalonic aciduria, cblB type. Last evaluated: 2024-03-01. Review status: criteria provided, single submitter. Criteria: ACMG Guidelines, 2015. Collection method: clinical testing. Allele origin: germline.

Natera, Inc.
Classification: Uncertain significance for Methylmalonic aciduria cblB type. Last evaluated: 2020-09-16. Review status: no assertion criteria provided. Collection method: clinical testing. Allele origin: germline. Not counted in ClinVar's aggregate classification.

NM_052845.4(MMAB):c.402G>A (p.Ser134=)

Gene: MMAB (metabolism of cobalamin associated B; minus strand). Cytogenetic location: 12q24.11.
Variant type: single nucleotide variant.
Coding change: c.402G>A on transcript NM_052845.4 (MANE Select); coding-DNA position 402, G replaced by A.
Protein change: p.Ser134=; no amino-acid change (serine 134 retained).
Molecular consequence: synonymous variant. On other transcripts: non-coding transcript variant (1).
Genome position (GRCh38, 1-based): chr12:109,561,799, C>T on the plus strand (G>A on the coding strand, the complement: MMAB is on the minus strand). VCF-style: chr12-109561799-C-T. GRCh37 (hg19) VCF-style: chr12-109999604-C-T.
Identifiers: ClinVar variation 658432 (VCV000658432.10), dbSNP rs756766385, ClinGen allele CA6778920.
Genomic context (GRCh38, chr12:109,561,799, plus strand): 5'-CCCTAGGGCCCTCTGAACACCCACAGGAGTTTGAGAATTACTTAAGTGAGCCTCCCGGGC[C>T]GAGGAGCATGGTGTCGCCAGGGCCGAGCCGACGTCCTGCAATGTGCACTGGATCTGGGGG-3'
Protein context (NP_443077.1, residues 124-144): VGSALATPCS[Ser134=]AREAHLKYTT